The following is an entry in ClinVar:

ClinVar aggregate classification (germline): Uncertain significance (1 of 4 stars; one submission).

Submission:

Labcorp Genetics (formerly Invitae), Labcorp
Classification: Uncertain significance. Last evaluated: 2022-07-25. Review status: criteria provided, single submitter. Criteria: Invitae Variant Classification Sherloc (09022015). Collection method: clinical testing. Allele origin: germline.
Comment: This sequence change replaces proline, which is neutral and non-polar, with leucine, which is neutral and non-polar, at codon 1360 of the FN1 protein (p.Pro1360Leu). This variant is not present in population databases (gnomAD no frequency). This variant has not been reported in the literature in individuals affected with FN1-related conditions. Algorithms developed to predict the effect of missense changes on protein structure and function are either unavailable or do not agree on the potential impact of this missense change (SIFT: "Not Available"; PolyPhen-2: "Possibly Damaging"; Align-GVGD: "Not Available"). In summary, the available evidence is currently insufficient to determine the role of this variant in disease. Therefore, it has been classified as a Variant of Uncertain Significance.

NM_212482.4(FN1):c.4079C>T (p.Pro1360Leu)

Genes: FN1 (fibronectin 1; minus strand), LOC126806497 (BRD4-independent group 4 enhancer GRCh37_chr2:216255920-216257119; plus strand). Cytogenetic location: 2q35.
Variant type: single nucleotide variant.
Coding change: c.4079C>T on transcript NM_212482.4 (MANE Select); coding-DNA position 4079, C replaced by T.
Protein change: p.Pro1360Leu; replaces proline 1360 with leucine.
Molecular consequence: missense variant.
Genome position (GRCh38, 1-based): chr2:215,391,805, G>A on the plus strand (C>T on the coding strand, the complement: FN1 is on the minus strand). VCF-style: chr2-215391805-G-A. GRCh37 (hg19) VCF-style: chr2-216256528-G-A.
Other names: c.4079C>T, p.Pro1360Leu (NM_001306129.2, NM_001306130.2, NM_001365517.2 and 3 more transcripts); c.3806C>T, p.Pro1269Leu (NM_001306131.2, NM_001306132.2, NM_001365518.2 and 7 more transcripts); short protein forms P1360L, P1269L.
Identifiers: ClinVar variation 2052105 (VCV002052105.4), dbSNP rs2469750265, ClinGen allele CA350484644.